The following is an entry in ClinVar:

ClinVar aggregate classification (germline): Uncertain significance. Review status: criteria provided, multiple submitters, no conflicts (2 of 4 stars). 2 submissions from 2 submitters: Uncertain significance (2). Last evaluated 2025-07-08.

Conditions:
Cardiovascular phenotype. Identifiers: MedGen CN230736.

gnomAD v4.1: 2 of 1,614,094 alleles (0.00012%); highest among the groups gnomAD compares: African/African-American, 0.0013%; no homozygotes.

Submissions (2):

Labcorp Genetics (formerly Invitae), Labcorp
Classification: Uncertain significance. Last evaluated: 2025-07-08. Review status: criteria provided, single submitter. Criteria: Invitae Variant Classification Sherloc (09022015). Collection method: clinical testing. Allele origin: germline.
Comment: This sequence change replaces leucine, which is neutral and non-polar, with valine, which is neutral and non-polar, at codon 1869 of the ABCA1 protein (p.Leu1869Val). This variant is not present in population databases (gnomAD no frequency). This variant has not been reported in the literature in individuals affected with ABCA1-related conditions. ClinVar contains an entry for this variant (Variation ID: 3495027). Invitae Evidence Modeling of protein sequence and biophysical properties (such as structural, functional, and spatial information, amino acid conservation, physicochemical variation, residue mobility, and thermodynamic stability) has been performed for this missense variant. However, the output from this modeling did not meet the statistical confidence thresholds required to predict the impact of this variant on ABCA1 protein function. In summary, the available evidence is currently insufficient to determine the role of this variant in disease. Therefore, it has been classified as a Variant of Uncertain Significance.

Ambry Genetics
Classification: Uncertain significance for Cardiovascular phenotype. Last evaluated: 2024-11-02. Review status: criteria provided, single submitter. Criteria: Ambry Variant Classification Scheme 2023. Collection method: clinical testing. Allele origin: germline.
Comment: The p.L1869V variant (also known as c.5605C>G), located in coding exon 40 of the ABCA1 gene, results from a C to G substitution at nucleotide position 5605. The leucine at codon 1869 is replaced by valine, an amino acid with highly similar properties. This amino acid position is conserved. In addition, the in silico prediction for this alteration is inconclusive. Based on the available evidence, the clinical significance of this variant remains unclear.

NM_005502.4(ABCA1):c.5605C>G (p.Leu1869Val)

Gene: ABCA1 (ATP binding cassette subfamily A member 1; minus strand). Cytogenetic location: 9q31.1.
Variant type: single nucleotide variant.
Coding change: c.5605C>G on transcript NM_005502.4 (MANE Select); coding-DNA position 5605, C replaced by G.
Protein change: p.Leu1869Val; replaces leucine 1869 with valine.
Molecular consequence: missense variant.
Genome position (GRCh38, 1-based): chr9:104,793,202, G>C on the plus strand (C>G on the coding strand, the complement: ABCA1 is on the minus strand). VCF-style: chr9-104793202-G-C. GRCh37 (hg19) VCF-style: chr9-107555483-G-C.
Other names: short protein forms L1869V.
Identifiers: ClinVar variation 3495027 (VCV003495027.2).